The following is an entry in ClinVar:

NM_000719.7(CACNA1C):c.3258C>T (p.Ile1086=)

Gene: CACNA1C (calcium voltage-gated channel subunit alpha1 C; plus strand). Cytogenetic location: 12p13.33.
Variant type: single nucleotide variant.
Coding change: c.3258C>T on transcript NM_000719.7 (MANE Select); coding-DNA position 3258, C replaced by T.
Protein change: p.Ile1086=; no amino-acid change (isoleucine 1086 retained).
Molecular consequence: synonymous variant.
Genome position (GRCh38, 1-based): chr12:2,607,032, C>T. VCF-style: chr12-2607032-C-T. GRCh37 (hg19) VCF-style: chr12-2716198-C-T.
Other names: c.3318C>T, p.Ile1106= (NM_001129827.2, NM_001129832.2, NM_199460.4); c.3258C>T, p.Ile1086= (NM_001129829.2, NM_001129830.3, NM_001129831.2 and 15 more transcripts); c.3249C>T, p.Ile1083= (NM_001129844.2).
Identifiers: ClinVar variation 424211 (VCV000424211.14), dbSNP rs757290350, ClinGen allele CA6389208.

ClinVar aggregate classification (germline): Conflicting classifications of pathogenicity. Review status: criteria provided, conflicting classifications (1 of 4 stars). 3 submissions from 3 submitters: Uncertain significance (1); Likely benign (2). Last evaluated 2026-01-27.

Conditions:
Cardiovascular phenotype. Identifiers: MedGen CN230736.
Long QT syndrome (LQTS). Identifiers: MedGen C0023976, MeSH D008133, MONDO:0002442. Disease mechanism: loss of function. Inheritance: Various modes of inheritance.

Allele frequency attached by ClinVar (database versions not stated): gnomAD 0.00001; gnomAD exomes 0.00001 and 0.00003; ExAC 0.00002; TOPMed 0.00003.
gnomAD v4.1: 12 of 1,613,880 alleles (0.00074%); highest among the groups gnomAD compares: Admixed American, 0.012%; no homozygotes.

Submissions (3):

Labcorp Genetics (formerly Invitae), Labcorp
Classification: Likely benign for Long QT syndrome. Last evaluated: 2026-01-27. Review status: criteria provided, single submitter. Criteria: Invitae Variant Classification Sherloc (09022015). Collection method: clinical testing. Allele origin: germline.

Ambry Genetics
Classification: Likely benign for Cardiovascular phenotype. Last evaluated: 2020-12-26. Review status: criteria provided, single submitter. Criteria: Ambry Variant Classification Scheme 2023. Collection method: clinical testing. Allele origin: germline.

GeneDx
Classification: Uncertain significance. Last evaluated: 2017-03-09. Review status: criteria provided, single submitter. Criteria: GeneDx Variant Classification (06012015). Collection method: clinical testing. Allele origin: germline. Affected: yes.
Comment: A variant of uncertain significance has been identified in the CACNA1C gene. The c.3258 C>T variant has not been published as pathogenic or been reported as benign to our knowledge. This variant is not observed with any significant frequency in large population cohorts (Lek et al., 2016; 1000 Genomes Consortium et al., 2015; Exome Variant Server). This nucleotide substitution does not change the encoded amino acid, which is conserved through mammals. Several in silico splice algorithms do not predict that this change results in abnormal gene splicing; however, in the absence of functional mRNA studies, the physiological consequence of this variant cannot be precisely determined.